The following is an entry in ClinVar:

NM_001170535.3(ATAD3A):c.-1C>T

Genes: ATAD3A (ATPase family AAA domain containing 3A; plus strand), LOC129929133 (ATAC-STARR-seq lymphoblastoid silent region 77; plus strand). Cytogenetic location: 1p36.33.
Variant type: single nucleotide variant.
Coding change: c.-1C>T on transcript NM_001170535.3 (MANE Select); 1 bases upstream of the start codon, C replaced by T.
Molecular consequence: 5 prime UTR variant.
Genome position (GRCh38, 1-based): chr1:1,512,268, C>T. VCF-style: chr1-1512268-C-T. GRCh37 (hg19) VCF-style: chr1-1447648-C-T.
Other names: c.-1C>T (NM_018188.5).
Identifiers: ClinVar variation 2502134 (VCV002502134.1), dbSNP rs1641217439, ClinGen allele CA1149097848.
Genomic context (GRCh38, chr1:1,512,268, plus strand): 5'-CGCGCGCGAGTCAGACTCGGGTGGGGGTCCCGGCGGCGGTAGCGGCGGCGGCGGTGCGAG[C>T]ATGTCGTGGCTCTTCGGCATTAACAAGGGCCCCAAGGGTGAAGGCGCGGGGCCGCCGCCG-3'

ClinVar aggregate classification (germline): Uncertain significance (1 of 4 stars; one submission).

Allele frequency attached by ClinVar (database versions not stated): gnomAD exomes 0.00001.
gnomAD v4.1: 8 of 1,273,554 alleles (0.00063%); highest among the groups gnomAD compares: East Asian, 0.003%; no homozygotes.

Submission:

GeneDx
Classification: Uncertain significance. Last evaluated: 2022-11-15. Review status: criteria provided, single submitter. Criteria: GeneDx Variant Classification Process June 2021. Collection method: clinical testing. Allele origin: germline. Affected: yes.
Comment: Not observed at significant frequency in large population cohorts (gnomAD); Nucleotide substitution has no predicted effect on splicing and is not conserved across species; Has not been previously published as pathogenic or benign to our knowledge; Variant located in the Kozak sequence just upstream of the ATG translational start site, which plays a major role in the initiation of translation; however, in the absence of RNA/functional studies, the actual effect of this sequence change in this individual is unknown